The following is an entry in ClinVar:

NM_005996.4(TBX3):c.1641G>A (p.Ala547=)

Gene: TBX3 (T-box transcription factor 3; minus strand). Cytogenetic location: 12q24.21.
Variant type: single nucleotide variant.
Coding change: c.1641G>A on transcript NM_005996.4 (MANE Select); coding-DNA position 1641, G replaced by A.
Protein change: p.Ala547=; no amino-acid change (alanine 547 retained).
Molecular consequence: synonymous variant.
Genome position (GRCh38, 1-based): chr12:114,674,234, C>T on the plus strand (G>A on the coding strand, the complement: TBX3 is on the minus strand). VCF-style: chr12-114674234-C-T. GRCh37 (hg19) VCF-style: chr12-115112039-C-T.
Other names: c.1701G>A, p.Ala567= (NM_016569.4); c.1701G>A (NM_016569.3).
Identifiers: ClinVar variation 3703547 (VCV003703547.3).

ClinVar aggregate classification (germline): Likely benign. Review status: criteria provided, multiple submitters, no conflicts (2 of 4 stars). 2 submissions from 2 submitters: Likely benign (2). Last evaluated 2026-03-18.

Conditions:
TBX3-related disorder. Also called: TBX3-related condition.
Ulnar-mammary syndrome (UMS). Also called: Ulnar-mammary syndrome of Pallister; SCHINZEL SYNDROME; PALLISTER ULNAR-MAMMARY SYNDROME. Identifiers: Orphanet 3138, MedGen C1866994, MONDO:0008411, OMIM 181450.

gnomAD v4.1: 3 of 1,575,464 alleles (0.00019%); highest among the groups gnomAD compares: Admixed American, 0.0019%; no homozygotes.

Submissions (2):

PreventionGenetics, part of Exact Sciences
Classification: Likely benign for TBX3-related condition. Last evaluated: 2026-03-18. Review status: criteria provided, single submitter. Criteria: ACMG Guidelines, 2015. Collection method: clinical testing. Allele origin: germline.
Comment: This variant is classified as likely benign based on ACMG/AMP sequence variant interpretation guidelines (Richards et al. 2015 PMID: 25741868, with internal and published modifications).

Labcorp Genetics (formerly Invitae), Labcorp
Classification: Likely benign for Ulnar-mammary syndrome. Last evaluated: 2024-09-19. Review status: criteria provided, single submitter. Criteria: Invitae Variant Classification Sherloc (09022015). Collection method: clinical testing. Allele origin: germline.